The following is an entry in ClinVar:

NM_198586.3(NHLRC1):c.254C>G (p.Pro85Arg)

Gene: NHLRC1 (NHL repeat containing E3 ubiquitin protein ligase 1; minus strand). Cytogenetic location: 6p22.3.
Variant type: single nucleotide variant.
Coding change: c.254C>G on transcript NM_198586.3 (MANE Select); coding-DNA position 254, C replaced by G.
Protein change: p.Pro85Arg; replaces proline 85 with arginine.
Molecular consequence: missense variant.
Genome position (GRCh38, 1-based): chr6:18,122,353, G>C on the plus strand (C>G on the coding strand, the complement: NHLRC1 is on the minus strand). VCF-style: chr6-18122353-G-C. GRCh37 (hg19) VCF-style: chr6-18122584-G-C.
Other names: short protein forms P85R.
Identifiers: ClinVar variation 1013606 (VCV001013606.3), dbSNP rs371218834, ClinGen allele CA134960073.

ClinVar aggregate classification (germline): Uncertain significance. Review status: criteria provided, single submitter (1 of 4 stars). 2 submissions from 2 submitters: Uncertain significance (1). 1 of the submissions does not count toward it. Last evaluated 2024-09-22.

Conditions:
Lafora disease. Also called: Epilepsy progressive myoclonic 2; Progressive Myoclonus Epilepsy, Lafora Type. Identifiers: Orphanet 501, MedGen C0751783, MONDO:0009697.
Myoclonic epilepsy of Lafora 2. Also called: EPILEPSY, PROGRESSIVE MYOCLONIC, 2B; NHLRC1-Related Lafora Disease; LAFORA DISEASE 2; Epilepsy, progressive myoclonic 2B (Lafora). Identifiers: MedGen C1850764, MONDO:0800306, OMIM 620681.

Allele frequency attached by ClinVar (database versions not stated): gnomAD exomes 0.00001.
gnomAD v4.1: 3 of 1,573,632 alleles (0.00019%); highest among the groups gnomAD compares: Non-Finnish European, 0.00017%; no homozygotes.

Submissions (2):

Genomic Medicine Center of Excellence, King Faisal Specialist Hospital and Research Centre
Classification: Uncertain significance for Myoclonic epilepsy of Lafora 2. Last evaluated: 2024-09-22. Review status: criteria provided, single submitter. Criteria: ACMG Guidelines, 2015. Collection method: clinical testing. Allele origin: germline.

HUSP Clinical Genetics Laboratory, Hospital Universitario San Pedro De Logroño (HUSP)
Classification: Uncertain significance for Myoclonic epilepsy of Lafora 1. Last evaluated: 2020-04-02. Review status: no assertion criteria provided. Collection method: clinical testing. Allele origin: inherited. Inheritance: Autosomal recessive inheritance. Affected: yes. Observed: 2 variant alleles, 2 homozygotes. Clinical features observed: Generalized myoclonic seizure (HP:0002123). Not counted in ClinVar's aggregate classification.
Comment: The c.254C>G variant in the NHLRC1 gene (also called EPM2B) causes the substitution of an arginine for a proline (NP_940988.2: p.Pro85Arg). It is not previously described in any of the consulted pathogenicity bases (ClinVar, HGMD, the specific basis of Lafora disease). The population frequency of this variant is extremely low. The In-silico predictors consulted indicate that the variant is likely to alter the biological function of the protein. Pathological variants in the NHLRC1 gene are associated with the Lafora 2B (OMIM: 254780) progressive myoclonic epilepsy phenotype, with an inheritance autosomal recessive.